The following is an entry in ClinVar:

ClinVar aggregate classification (germline): Uncertain significance (1 of 4 stars; one submission).

Conditions:
Inborn genetic diseases. Identifiers: MedGen C0950123, MeSH D030342.

Allele frequency attached by ClinVar (database versions not stated): ExAC 0.00001; gnomAD exomes 0.00001; gnomAD 0.00004.
gnomAD v4.1: 17 of 1,600,446 alleles (0.0011%); highest among the groups gnomAD compares: Non-Finnish European, 0.0014%; no homozygotes.

Submission:

Ambry Genetics
Classification: Uncertain significance for Inborn genetic diseases. Last evaluated: 2022-06-27. Review status: criteria provided, single submitter. Criteria: Ambry Variant Classification Scheme 2023. Collection method: clinical testing. Allele origin: germline.
Comment: The c.1070C>G (p.T357R) alteration is located in exon 10 (coding exon 10) of the RALGAPA1 gene. This alteration results from a C to G substitution at nucleotide position 1070, causing the threonine (T) at amino acid position 357 to be replaced by an arginine (R). The p.T357R alteration is predicted to be tolerated by in silico analysis. Based on insufficient or conflicting evidence, the clinical significance of this alteration remains unclear.

NM_001346249.2(RALGAPA1):c.1070C>G (p.Thr357Arg)

Gene: RALGAPA1 (Ral GTPase activating protein catalytic subunit alpha 1; minus strand). Cytogenetic location: 14q13.2.
Variant type: single nucleotide variant.
Coding change: c.1070C>G on transcript NM_001346249.2 (MANE Select); coding-DNA position 1070, C replaced by G.
Protein change: p.Thr357Arg; replaces threonine 357 with arginine.
Molecular consequence: missense variant.
Genome position (GRCh38, 1-based): chr14:35,748,766, G>C on the plus strand (C>G on the coding strand, the complement: RALGAPA1 is on the minus strand). VCF-style: chr14-35748766-G-C. GRCh37 (hg19) VCF-style: chr14-36217972-G-C.
Other names: c.1070C>G, p.Thr357Arg (NM_001283043.3, NM_001283044.3, NM_001330075.3 and 7 more transcripts); short protein forms T357R.
Identifiers: ClinVar variation 2227999 (VCV002227999.2), dbSNP rs755230614, ClinGen allele CA7157163.